The following is an entry in ClinVar:

ClinVar aggregate classification (germline): Conflicting classifications of pathogenicity. Review status: criteria provided, conflicting classifications (1 of 4 stars). 3 submissions from 3 submitters: Uncertain significance (2); Likely benign (1). Last evaluated 2024-02-15.

Conditions:
Hereditary cancer-predisposing syndrome. Also called: Hereditary Cancer Syndrome; Hereditary neoplastic syndrome; Neoplastic Syndromes, Hereditary; Tumor predisposition. Identifiers: Orphanet 140162, MedGen C0027672, MeSH D009386, MONDO:0015356.
Hereditary breast ovarian cancer syndrome. Also called: Hereditary breast and ovarian cancer; BRCA1- and BRCA2-Associated Hereditary Breast and Ovarian Cancer; Hereditary breast and ovarian cancer syndrome (HBOC); Hereditary breast and ovarian cancer syndrome; Breast and ovarian cancer; Hereditary breast and/or ovarian cancer syndrome. Identifiers: Orphanet 145, MedGen C0677776, MeSH D061325, MONDO:0003582. Disease mechanism: loss of function.

Submissions (3):

Labcorp Genetics (formerly Invitae), Labcorp
Classification: Uncertain significance for Hereditary breast ovarian cancer syndrome. Last evaluated: 2024-02-15. Review status: criteria provided, single submitter. Criteria: Invitae Variant Classification Sherloc (09022015). Collection method: clinical testing. Allele origin: germline.
Comment: This sequence change replaces alanine, which is neutral and non-polar, with serine, which is neutral and polar, at codon 1991 of the BRCA2 protein (p.Ala1991Ser). This variant is not present in population databases (gnomAD no frequency). This variant has not been reported in the literature in individuals affected with BRCA2-related conditions. ClinVar contains an entry for this variant (Variation ID: 1750792). Advanced modeling of protein sequence and biophysical properties (such as structural, functional, and spatial information, amino acid conservation, physicochemical variation, residue mobility, and thermodynamic stability) performed at Invitae indicates that this missense variant is not expected to disrupt BRCA2 protein function with a negative predictive value of 95%. In summary, the available evidence is currently insufficient to determine the role of this variant in disease. Therefore, it has been classified as a Variant of Uncertain Significance.

University of Washington Department of Laboratory Medicine, University of Washington
Classification: Likely benign for Hereditary cancer-predisposing syndrome. Last evaluated: 2023-03-23. Review status: criteria provided, single submitter. Criteria: Dines et al. (Genet Med. 2020). Collection method: curation. Allele origin: germline.
Comment: Missense variant in a coldspot region where missense variants are very unlikely to be pathogenic (PMID:31911673).

BRCA2 exon 11 coldspot. Reclassification based on statistical prior probability.

Ambry Genetics
Classification: Uncertain significance for Hereditary cancer-predisposing syndrome. Last evaluated: 2021-12-14. Review status: criteria provided, single submitter. Criteria: Ambry Variant Classification Scheme 2023. Collection method: clinical testing. Allele origin: germline.
Comment: The p.A1991S variant (also known as c.5971G>T), located in coding exon 10 of the BRCA2 gene, results from a G to T substitution at nucleotide position 5971. The alanine at codon 1991 is replaced by serine, an amino acid with similar properties. This amino acid position is conserved. In addition, this alteration is predicted to be tolerated by in silico analysis. Since supporting evidence is limited at this time, the clinical significance of this alteration remains unclear.

NM_000059.4(BRCA2):c.5971G>T (p.Ala1991Ser)

Gene: BRCA2 (BRCA2 DNA repair associated; plus strand). Cytogenetic location: 13q13.1.
Variant type: single nucleotide variant.
Coding change: c.5971G>T on transcript NM_000059.4 (MANE Select); coding-DNA position 5971, G replaced by T.
Protein change: p.Ala1991Ser; replaces alanine 1991 with serine.
Molecular consequence: missense variant.
Genome position (GRCh38, 1-based): chr13:32,340,326, G>T. VCF-style: chr13-32340326-G-T. GRCh37 (hg19) VCF-style: chr13-32914463-G-T.
Other names: c.5971G>T, p.Ala1991Ser (NM_001406719.1, NM_001406720.1); short protein forms A1991S.
Identifiers: ClinVar variation 1750792 (VCV001750792.6), dbSNP rs2072543048, ClinGen allele CA387787625.